The following is an entry in ClinVar:

NM_021975.4(RELA):c.19del (p.Leu7fs)

Gene: RELA (RELA proto-oncogene, NF-kB subunit; minus strand). Cytogenetic location: 11q13.1.
Variant type: Deletion.
Coding change: c.19del on transcript NM_021975.4 (MANE Select); coding-DNA position 19, one base deleted (C; older notation c.19delC).
Protein change: p.Leu7fs; shifts the reading frame from leucine 7.
Molecular consequence: frameshift variant. On other transcripts: 5 prime UTR variant (3), intron variant (1).
Genome position (GRCh38, 1-based): chr11:65,662,194, G deleted on the plus strand (C on the coding strand, the reverse complement: RELA is on the minus strand); the first of 5 consecutive G bases (chr11:65,662,194-65,662,198); deleting any one gives the same sequence. VCF-style (leftmost placement, unchanged base first): chr11-65662193-AG-A. GRCh37 (hg19) VCF-style: chr11-65429664-AG-A.
Other names: c.19del, p.Leu7fs (NM_001145138.2, NM_001243984.2, NM_001243985.2 and 3 more transcripts); c.-271del (NM_001404661.1); c.-75del (NM_001404662.1, NM_001404663.1); c.8-106del (NM_001404658.1); short protein forms L7fs.
Identifiers: ClinVar variation 4730349 (VCV004730349.1).

ClinVar aggregate classification (germline): Pathogenic (1 of 4 stars; one submission).

Submission:

Labcorp Genetics (formerly Invitae), Labcorp
Classification: Pathogenic. Last evaluated: 2025-11-03. Review status: criteria provided, single submitter. Criteria: Invitae Variant Classification Sherloc (09022015). Collection method: clinical testing. Allele origin: germline.
Comment: This sequence change creates a premature translational stop signal (p.Leu7Serfs*85) in the RELA gene. It is expected to result in an absent or disrupted protein product. Loss-of-function variants in RELA are known to be pathogenic (PMID: 28600438). This variant is not present in population databases (gnomAD no frequency). This variant has not been reported in the literature in individuals affected with RELA-related conditions. For these reasons, this variant has been classified as Pathogenic.

Literature cited by the submitters: PubMed 28600438.